The following is an entry in ClinVar:

ClinVar aggregate classification (germline): Benign (1 of 4 stars; one submission).

Conditions:
Brachydactyly type A1. Also called: FARABEE-TYPE BRACHYDACTYLY; SHORT STATURE WITH NONSPECIFIC SKELETAL ABNORMALITIES 2. Identifiers: Orphanet 93388, MedGen C1862151, MONDO:0007215, OMIM 112500, HP:0009371.

Allele frequency attached by ClinVar (database versions not stated): gnomAD exomes 0.00022; gnomAD 0.00201; TOPMed 0.00222; 1000 Genomes Project 30x 0.00250; 1000 Genomes Project 0.00280.
gnomAD v4.1: 388 of 555,318 alleles (0.07%); highest among the groups gnomAD compares: African/African-American, 0.64%; no homozygotes.

Submission:

Illumina Laboratory Services, Illumina
Classification: Benign for Brachydactyly type A1. Last evaluated: 2018-01-13. Review status: criteria provided, single submitter. Criteria: ICSL Variant Classification Criteria 13 December 2019. Collection method: clinical testing. Allele origin: germline.
Comment: This variant was observed in the ICSL laboratory as part of a predisposition screen in an ostensibly healthy population. It had not been previously curated by ICSL or reported in the Human Gene Mutation Database (HGMD: prior to June 1st, 2018), and was therefore a candidate for classification through an automated scoring system. Utilizing variant allele frequency, disease prevalence and penetrance estimates, and inheritance mode, an automated score was calculated to assess if this variant is too frequent to cause the disease. Based on the score and internal cut-off values, a variant classified as benign is not then subjected to further curation. The score for this variant resulted in a classification of benign for this disease.

NM_002181.4(IHH):c.*248C>A

Gene: IHH (Indian hedgehog signaling molecule; minus strand). Cytogenetic location: 2q35.
Variant type: single nucleotide variant.
Coding change: c.*248C>A on transcript NM_002181.4 (MANE Select); 248 bases downstream of the stop codon, C replaced by A.
Molecular consequence: 3 prime UTR variant.
Genome position (GRCh38, 1-based): chr2:219,054,959, G>T on the plus strand (C>A on the coding strand, the complement: IHH is on the minus strand). VCF-style: chr2-219054959-G-T. GRCh37 (hg19) VCF-style: chr2-219919681-G-T.
Identifiers: ClinVar variation 334427 (VCV000334427.5), dbSNP rs79195401, ClinGen allele CA10614207.
Genomic context (GRCh38, chr2:219,054,959, plus strand): 5'-AGAGTATGAAAACTCGTAGTGAGAGCAGGCTGAGTTGGGAGTCGCCGTGCCAGCCTCAAG[G>T]TCTCTAGGAGAGAGGGGTCAACAACCATCCCCTCGCCAGCTCAGCTTGCAGCTCTATGAC-3'